The following continues an entry in ClinVar:

NM_000271.5(NPC1):c.3011C>T (p.Ser1004Leu)

Gene: NPC1. ClinVar aggregate classification (germline): Conflicting classifications of pathogenicity. Likely pathogenic (6); Uncertain significance (7).

Submissions 11 to 14 of 14:

Revvity Omics, Revvity
Classification: Uncertain significance for Niemann-Pick disease, type C1. Last evaluated: 2022-06-10. Review status: criteria provided, single submitter. Criteria: ACMG Guidelines, 2015. Collection method: clinical testing. Allele origin: germline.

Eurofins Ntd Llc (ga)
Classification: Uncertain significance. Last evaluated: 2017-08-11. Review status: criteria provided, single submitter. Criteria: EGL Classification Definitions 2015. Collection method: clinical testing. Allele origin: germline. Observed: 3 variant alleles, 3 heterozygotes.

Illumina Laboratory Services, Illumina
Classification: Likely pathogenic for Niemann-Pick disease, type C1. Last evaluated: 2017-04-27. Review status: criteria provided, single submitter. Criteria: ICSL Variant Classification Criteria 09 May 2019. Collection method: clinical testing. Allele origin: germline.
Comment: The NPC1 gene c.3011C>T (p.Ser1004Leu) variant is a missense variant that is reported in two studies and found in a total of three individuals, including a sibling pair, with Niemann-Pick disease (NPC), all in a compound heterozygous state (Sun et al. 2001; Kawazoe et al. 2018). In the sibling pair, the p.Ser1004Leu variant was inherited from an unaffected father and was in trans with a frameshift variant inherited from the mother (Kawazoe et al. 2018). Control data are not available but the variant is reported at a frequency of 0.002268 in the European (Finnish) population of the Exome Aggregation Consortium. The Ser 1004 residue is located within the cysteine-rich region of the protein. Filipin staining of skin fibroblasts from one of the patients showed a staining pattern associated with NPC (Kawazoe et al. 2018). The evidence for this variant is limited. The p.Ser1004Leu variant is therefore classified as a variant of unknown significance but suspicious for pathogenicity for Niemann-Pick disease.

Counsyl
Classification: Uncertain significance for Niemann-Pick disease, type C1. Last evaluated: 2017-04-11. Review status: no assertion criteria provided. Collection method: clinical testing. Allele origin: unknown. Not counted in ClinVar's aggregate classification.

Literature cited by the submitters: PubMed 11349231 (cited by 7 submitters); PubMed 30119649 (cited by 6 submitters); PubMed 32222928 (cited by Labcorp Genetics (formerly Invitae), Labcorp and Victorian Clinical Genetics Services, Murdoch Childrens Research Institute); PubMed 12955717 (cited by 3 submitters); PubMed 15465421 (cited by Mayo Clinic Laboratories, Mayo Clinic); PubMed 24386122 (cited by Mayo Clinic Laboratories, Mayo Clinic and Counsyl); PubMed 25099932 (cited by Mayo Clinic Laboratories, Mayo Clinic); PubMed 28031458 (cited by Mayo Clinic Laboratories, Mayo Clinic); PubMed 29867446 (cited by Mayo Clinic Laboratories, Mayo Clinic); PubMed 30503768 (cited by Mayo Clinic Laboratories, Mayo Clinic); PubMed 31701332 (cited by Mayo Clinic Laboratories, Mayo Clinic); PubMed 32371106 (cited by Mayo Clinic Laboratories, Mayo Clinic); PubMed 34830064 (cited by Mayo Clinic Laboratories, Mayo Clinic); PubMed 37032242 (cited by Mayo Clinic Laboratories, Mayo Clinic); PubMed 32138288 (cited by Victorian Clinical Genetics Services, Murdoch Childrens Research Institute).